The following is an entry in ClinVar:

ClinVar aggregate classification (germline): Likely pathogenic (1 of 4 stars; one submission).

Conditions:
Autosomal recessive limb-girdle muscular dystrophy type 2B (LGMDR2). Also called: MUSCULAR DYSTROPHY, LIMB-GIRDLE, TYPE 3; MUSCULAR DYSTROPHY, LIMB-GIRDLE, AUTOSOMAL RECESSIVE 2; Limb-Girdle Muscular Dystrophy Type 2B (LGMD2B); Limb-girdle muscular dystrophy, type 2B. Identifiers: Orphanet 268, MedGen C1850889, MONDO:0009676, OMIM 253601.

Submission:

Natera, Inc.
Classification: Likely pathogenic for Limb-girdle muscular dystrophy type 2B. Last evaluated: 2025-09-12. Review status: criteria provided, single submitter. Criteria: Natera Variant Classification Schema (03/2026). Collection method: clinical testing. Allele origin: germline.
Comment: The c.5197_5200dup variant in DYSF is a frameshift variant predicted to shift the reading frame beginning at codon 1734 and leads to a stop codon 95 codons downstream. This variant is expected to result in nonsense mediated decay, truncation, or a dysfunctional protein product. This variant is rare in the general population with a frequency below the threshold expected for the associated phenotype(s). Given the available evidence, this variant is classified as Likely Pathogenic.

NM_001130987.2(DYSF):c.5314_5317dup (p.Glu1773fs)

Gene: DYSF (dysferlin; plus strand). Cytogenetic location: 2p13.2.
Variant type: Duplication.
Coding change: c.5314_5317dup on transcript NM_001130987.2 (MANE Select); coding-DNA positions 5314 to 5317, 4 bases duplicated (ATAG; older notation c.5314_5317dupATAG).
Protein change: p.Glu1773fs; shifts the reading frame from glutamic acid 1773.
Molecular consequence: frameshift variant.
Genome position (GRCh38, 1-based): chr2:71,665,301-71,665,304, ATAG duplicated; duplicating any 4 consecutive bases within chr2:71,665,299-71,665,304 gives the same sequence; the c. name uses the placement nearest the transcript's 3' end. VCF-style (leftmost placement, unchanged base first): chr2-71665298-G-GAGAT. GRCh37 (hg19) VCF-style: chr2-71892428-G-GAGAT.
Other names: c.5200_5203dup, p.Glu1735fs (NM_001130455.2); c.5155_5158dup, p.Glu1720fs (NM_001130976.2); c.5218_5221dup, p.Glu1741fs (NM_001130977.2); c.5260_5263dup, p.Glu1755fs (NM_001130978.2); c.5290_5293dup, p.Glu1765fs (NM_001130979.2); c.5248_5251dup, p.Glu1751fs (NM_001130980.2); c.5311_5314dup, p.Glu1772fs (NM_001130981.2); c.5293_5296dup, p.Glu1766fs (NM_001130982.2); and 5 more; short protein forms E1720fs, E1721fs, E1734fs, E1735fs, E1741fs, E1742fs, E1751fs, E1752fs.
Identifiers: ClinVar variation 4815153 (VCV004815153.1).
Genomic context (GRCh38, chr2:71,665,298, plus strand): 5'-AAGGCACCTGTGTACCGGACAGACCGTGTAATGTTTCAGGATAAAGAATATTCCATTGAA[G>GAGAT]AGATAGGTGAGCTGCCACATGACCCCAAACCATGGTGGGCTCTCGCTGTATCCCTCCCTC-3'